The following is an entry in ClinVar:

NM_000465.4(BARD1):c.1767A>G (p.Ala589=)

Gene: BARD1 (BRCA1 associated RING domain 1; minus strand). Cytogenetic location: 2q35.
Variant type: single nucleotide variant.
Coding change: c.1767A>G on transcript NM_000465.4 (MANE Select); coding-DNA position 1767, A replaced by G.
Protein change: p.Ala589=; no amino-acid change (alanine 589 retained).
Molecular consequence: synonymous variant. On other transcripts: non-coding transcript variant (3), intron variant (1).
Genome position (GRCh38, 1-based): chr2:214,745,765, T>C on the plus strand (A>G on the coding strand, the complement: BARD1 is on the minus strand). VCF-style: chr2-214745765-T-C. GRCh37 (hg19) VCF-style: chr2-215610489-T-C.
Other names: c.1710A>G, p.Ala570= (NM_001282543.2); c.414A>G, p.Ala138= (NM_001282545.2); c.357A>G, p.Ala119= (NM_001282548.2); c.365-15257A>G (NM_001282549.2).
Identifiers: ClinVar variation 460721 (VCV000460721.17), dbSNP rs1553615121, ClinGen allele CA431145879.

ClinVar aggregate classification (germline): Conflicting classifications of pathogenicity. Review status: criteria provided, conflicting classifications (1 of 4 stars). 4 submissions from 4 submitters: Uncertain significance (1); Benign (1); Likely benign (2). Last evaluated 2025-07-14.

Conditions:
Hereditary cancer-predisposing syndrome. Also called: Neoplastic Syndromes, Hereditary; Tumor predisposition; Hereditary Cancer Syndrome; Hereditary neoplastic syndrome. Identifiers: Orphanet 140162, MedGen C0027672, MeSH D009386, MONDO:0015356.
Familial cancer of breast. Also called: BREAST CANCER, FAMILIAL; hereditary breast carcinoma; Hereditary breast cancer. Identifiers: Orphanet 227535, MedGen C0346153, MONDO:0016419, OMIM 114480. Disease mechanism: loss of function.

Allele frequency attached by ClinVar (database versions not stated): TOPMed 0.00002.

Submissions (4):

Labcorp Genetics (formerly Invitae), Labcorp
Classification: Likely benign for Familial cancer of breast. Last evaluated: 2025-07-14. Review status: criteria provided, single submitter. Criteria: Invitae Variant Classification Sherloc (09022015). Collection method: clinical testing. Allele origin: germline.

Center for Genomic Medicine, Rigshospitalet, Copenhagen University Hospital
Classification: Uncertain significance. Last evaluated: 2025-03-04. Review status: criteria provided, single submitter. Criteria: ACMG Guidelines, 2015. Collection method: clinical testing. Allele origin: germline.

Ambry Genetics
Classification: Likely benign for Hereditary cancer-predisposing syndrome. Last evaluated: 2025-02-20. Review status: criteria provided, single submitter. Criteria: Ambry Variant Classification Scheme 2023. Collection method: clinical testing. Allele origin: germline.

Myriad Genetics, Inc.
Classification: Benign for Familial cancer of breast. Last evaluated: 2024-07-26. Review status: criteria provided, single submitter. Criteria: Myriad Autosomal Dominant, Autosomal Recessive and X-Linked Classification Criteria (2023). Collection method: clinical testing. Allele origin: unknown.
Comment: This variant is considered benign. This variant is a silent/synonymous amino acid change and it is not expected to impact splicing.